The following is an entry in ClinVar:

NM_004006.3(DMD):c.264+1G>A

Gene: DMD (dystrophin; minus strand). Cytogenetic location: Xp21.1.
Variant type: single nucleotide variant.
Coding change: c.264+1G>A on transcript NM_004006.3 (MANE Select); the canonical splice donor site of the intron after coding-DNA position 264, G replaced by A.
Molecular consequence: splice donor variant.
Genome position (GRCh38, 1-based): chrX:32,844,782, C>T on the plus strand (G>A on the coding strand, the complement: DMD is on the minus strand). VCF-style: chrX-32844782-C-T. GRCh37 (hg19) VCF-style: chrX-32862899-C-T.
Other names: c.240+1G>A (NM_000109.4); c.252+1G>A (NM_004009.3); c.-106+1G>A (NM_004010.3).
Identifiers: ClinVar variation 593815 (VCV000593815.8), dbSNP rs1569533147, ClinGen allele CA412674625.

ClinVar aggregate classification (germline): Pathogenic. Review status: criteria provided, multiple submitters, no conflicts (2 of 4 stars). 2 submissions from 2 submitters: Pathogenic (2). Last evaluated 2025-12-01.

Conditions:
Duchenne muscular dystrophy (DMD). Also called: MUSCULAR DYSTROPHY, PSEUDOHYPERTROPHIC PROGRESSIVE, DUCHENNE TYPE; Duchenne Muscular Dystrophy (DMD). Identifiers: Orphanet 98896, MedGen C0013264, MONDO:0010679, OMIM 310200.

Submissions (2):

Labcorp Genetics (formerly Invitae), Labcorp
Classification: Pathogenic for Duchenne muscular dystrophy. Last evaluated: 2025-12-01. Review status: criteria provided, single submitter. Criteria: Invitae Variant Classification Sherloc (09022015). Collection method: clinical testing. Allele origin: germline.
Comment: This sequence change affects a donor splice site in intron 4 of the DMD gene. RNA analysis indicates that disruption of this splice site induces altered splicing and likely results in a shortened protein product. This variant is not present in population databases (gnomAD no frequency). Disruption of this splice site has been observed in individual(s) with DMD-related dystrophinopathy (PMID: 25972034, 28859693, 32504006). ClinVar contains an entry for this variant (Variation ID: 593815). Studies have shown that disruption of this splice site results in skipping of exon 4, but is expected to preserve the integrity of the reading-frame (PMID: 32504006). For these reasons, this variant has been classified as Pathogenic.

Eurofins Ntd Llc (ga)
Classification: Pathogenic. Last evaluated: 2017-09-06. Review status: criteria provided, single submitter. Criteria: EGL Classification Definitions 2015. Collection method: clinical testing. Allele origin: germline. Observed: 1 variant allele, 1 hemizygote.

Literature cited by the submitters: PubMed 25972034 (cited by Labcorp Genetics (formerly Invitae), Labcorp and Eurofins Ntd Llc (ga)); PubMed 28859693 (cited by Labcorp Genetics (formerly Invitae), Labcorp); PubMed 32504006 (cited by Labcorp Genetics (formerly Invitae), Labcorp).